The following is an entry in ClinVar:

ClinVar aggregate classification (germline): Uncertain significance. Review status: criteria provided, multiple submitters, no conflicts (2 of 4 stars). 4 submissions from 4 submitters: Uncertain significance (4). Last evaluated 2025-05-31.

Conditions:
Hereditary cancer-predisposing syndrome. Also called: Neoplastic Syndromes, Hereditary; Tumor predisposition; Hereditary neoplastic syndrome; Hereditary Cancer Syndrome. Identifiers: Orphanet 140162, MedGen C0027672, MeSH D009386, MONDO:0015356.
Familial adenomatous polyposis 1 (FAP1). Also called: POLYPOSIS, ADENOMATOUS INTESTINAL; FAMILIAL ADENOMATOUS POLYPOSIS 1, ATTENUATED. Identifiers: MedGen C2713442, MONDO:0021056, OMIM 175100. Disease mechanism: loss of function.

Allele frequency attached by ClinVar (database versions not stated): gnomAD exomes below 0.00001.
gnomAD v4.1: 1 of 1,614,092 alleles (0.000062%); highest among the groups gnomAD compares: Admixed American, 0.0017%; no homozygotes.

Submissions (4):

Ambry Genetics
Classification: Uncertain significance for Hereditary cancer-predisposing syndrome. Last evaluated: 2025-05-31. Review status: criteria provided, single submitter. Criteria: Ambry Variant Classification Scheme 2023. Collection method: clinical testing. Allele origin: germline.
Comment: The p.G1109R variant (also known as c.3325G>C), located in coding exon 15 of the APC gene, results from a G to C substitution at nucleotide position 3325. The glycine at codon 1109 is replaced by arginine, an amino acid with dissimilar properties. This amino acid position is not well conserved in available vertebrate species. In addition, in silico predictors for this gene do not accurately predict pathogenicity. Since supporting evidence is limited at this time, the clinical significance of this alteration remains unclear.

Labcorp Genetics (formerly Invitae), Labcorp
Classification: Uncertain significance for Familial adenomatous polyposis 1. Last evaluated: 2025-03-20. Review status: criteria provided, single submitter. Criteria: Invitae Variant Classification Sherloc (09022015). Collection method: clinical testing. Allele origin: germline.
Comment: This sequence change replaces glycine, which is neutral and non-polar, with arginine, which is basic and polar, at codon 1109 of the APC protein (p.Gly1109Arg). This variant is present in population databases (no rsID available, gnomAD 0.003%). This variant has not been reported in the literature in individuals affected with APC-related conditions. ClinVar contains an entry for this variant (Variation ID: 630034). Invitae Evidence Modeling of protein sequence and biophysical properties (such as structural, functional, and spatial information, amino acid conservation, physicochemical variation, residue mobility, and thermodynamic stability) indicates that this missense variant is not expected to disrupt APC protein function with a negative predictive value of 95%. In summary, the available evidence is currently insufficient to determine the role of this variant in disease. Therefore, it has been classified as a Variant of Uncertain Significance.

Baylor Genetics
Classification: Uncertain significance for Familial adenomatous polyposis 1. Last evaluated: 2024-02-29. Review status: criteria provided, single submitter. Criteria: ACMG Guidelines, 2015. Collection method: clinical testing. Allele origin: unknown.

Color Diagnostics, LLC DBA Color Health
Classification: Uncertain significance for Hereditary cancer-predisposing syndrome. Last evaluated: 2023-12-04. Review status: criteria provided, single submitter. Criteria: ACMG Guidelines, 2015. Collection method: clinical testing. Allele origin: germline.
Comment: This missense variant replaces glycine with arginine at codon 1109 of the APC protein. Computational prediction suggests that this variant may not impact protein structure and function (internally defined REVEL score threshold <= 0.5, PMID: 27666373). To our knowledge, functional studies have not been reported for this variant. This variant has not been reported in individuals affected with APC-related disorders in the literature. This variant has been identified in 1/250464 chromosomes in the general population by the Genome Aggregation Database (gnomAD). The available evidence is insufficient to determine the role of this variant in disease conclusively. Therefore, this variant is classified as a Variant of Uncertain Significance.

NM_000038.6(APC):c.3325G>C (p.Gly1109Arg)

Gene: APC (APC regulator of Wnt signaling pathway; plus strand). Cytogenetic location: 5q22.2.
Variant type: single nucleotide variant.
Coding change: c.3325G>C on transcript NM_000038.6 (MANE Select); coding-DNA position 3325, G replaced by C.
Protein change: p.Gly1109Arg; replaces glycine 1109 with arginine.
Molecular consequence: missense variant.
Genome position (GRCh38, 1-based): chr5:112,838,919, G>C. VCF-style: chr5-112838919-G-C. GRCh37 (hg19) VCF-style: chr5-112174616-G-C.
Other names: c.3325G>C, p.Gly1109Arg (NM_001127510.3, NM_001354895.2); c.3271G>C, p.Gly1091Arg (NM_001127511.3); c.3379G>C, p.Gly1127Arg (NM_001354896.2); c.3355G>C, p.Gly1119Arg (NM_001354897.2); c.3250G>C, p.Gly1084Arg (NM_001354898.2); c.3241G>C, p.Gly1081Arg (NM_001354899.2); c.3202G>C, p.Gly1068Arg (NM_001354900.2); c.3148G>C, p.Gly1050Arg (NM_001354901.2); and 5 more; short protein forms G1091R, G1109R, G1050R, G826R, G1068R, G1081R, G1084R, G1127R.
Identifiers: ClinVar variation 630034 (VCV000630034.19), dbSNP rs587778040, ClinGen allele CA16028626.
Genomic context (GRCh38, chr5:112,838,919, plus strand): 5'-TTCCAACCACATTTTGGACAGCAGGAATGTGTTTCTCCATACAGGTCACGGGGAGCCAAT[G>C]GTTCAGAAACAAATCGAGTGGGTTCTAATCATGGAATTAATCAAAATGTAAGCCAGTCTT-3'
Protein context (NP_000029.2, residues 1099-1119): VSPYRSRGAN[Gly1109Arg]SETNRVGSNH